The following is an entry in ClinVar:

NM_001927.4(DES):c.128A>C (p.Lys43Thr)

Gene: DES (desmin; plus strand). Cytogenetic location: 2q35.
Variant type: single nucleotide variant.
Coding change: c.128A>C on transcript NM_001927.4 (MANE Select); coding-DNA position 128, A replaced by C.
Protein change: p.Lys43Thr; replaces lysine 43 with threonine.
Molecular consequence: missense variant.
Genome position (GRCh38, 1-based): chr2:219,418,590, A>C. VCF-style: chr2-219418590-A-C. GRCh37 (hg19) VCF-style: chr2-220283312-A-C.
Other names: c.128A>C, p.Lys43Thr (NM_001382708.1, NM_001382709.1, NM_001382710.1 and 3 more transcripts); short protein forms K43T.
Identifiers: ClinVar variation 4056067 (VCV004056067.1).

ClinVar aggregate classification (germline): Uncertain significance (1 of 4 stars; one submission).

Submission:

GeneDx
Classification: Uncertain significance. Last evaluated: 2025-01-07. Review status: criteria provided, single submitter. Criteria: GeneDx Variant Classification Process June 2021. Collection method: clinical testing. Allele origin: germline. Affected: yes.
Comment: Not observed at significant frequency in large population cohorts (gnomAD); In silico analysis indicates that this missense variant does not alter protein structure/function; Has not been previously published as pathogenic or benign to our knowledge; This variant is associated with the following publications: (PMID: 26807690)